The following is an entry in ClinVar:

ClinVar aggregate classification (germline): Uncertain significance (1 of 4 stars; one submission).

Conditions:
Combined malonic and methylmalonic acidemia. Identifiers: Orphanet 289504, MedGen C3280314, MONDO:0013661, OMIM 614265.

gnomAD v4.1: 2 of 1,613,290 alleles (0.00012%); highest among the groups gnomAD compares: East Asian, 0.0022%; no homozygotes.

Submission:

Labcorp Genetics (formerly Invitae), Labcorp
Classification: Uncertain significance for Combined malonic and methylmalonic acidemia. Last evaluated: 2024-06-17. Review status: criteria provided, single submitter. Criteria: Invitae Variant Classification Sherloc (09022015). Collection method: clinical testing. Allele origin: germline.
Comment: This sequence change replaces proline, which is neutral and non-polar, with histidine, which is basic and polar, at codon 575 of the ACSF3 protein (p.Pro575His). This variant is present in population databases (no rsID available, gnomAD 0.06%). This variant has not been reported in the literature in individuals affected with ACSF3-related conditions. Advanced modeling of protein sequence and biophysical properties (such as structural, functional, and spatial information, amino acid conservation, physicochemical variation, residue mobility, and thermodynamic stability) has been performed at Invitae for this missense variant, however the output from this modeling did not meet the statistical confidence thresholds required to predict the impact of this variant on ACSF3 protein function. In summary, the available evidence is currently insufficient to determine the role of this variant in disease. Therefore, it has been classified as a Variant of Uncertain Significance.

NM_001243279.3(ACSF3):c.1724C>A (p.Pro575His)

Gene: ACSF3 (acyl-CoA synthetase family member 3; plus strand). Cytogenetic location: 16q24.3.
Variant type: single nucleotide variant.
Coding change: c.1724C>A on transcript NM_001243279.3 (MANE Select); coding-DNA position 1724, C replaced by A.
Protein change: p.Pro575His; replaces proline 575 with histidine.
Molecular consequence: missense variant. On other transcripts: non-coding transcript variant (4).
Genome position (GRCh38, 1-based): chr16:89,154,200, C>A. VCF-style: chr16-89154200-C-A. GRCh37 (hg19) VCF-style: chr16-89220608-C-A.
Other names: c.1724C>A, p.Pro575His (NM_001127214.4, NM_174917.5); c.929C>A, p.Pro310His (NM_001284316.2); short protein forms P310H, P575H.
Identifiers: ClinVar variation 3707193 (VCV003707193.2).
Genomic context (GRCh38, chr16:89,154,200, plus strand): 5'-AGATCCCGCGGAACCAGATGGGCAAGATTGACAAGAAGGCGCTCATCAGGCACTTCCACC[C>A]CTCATGACCCGGCAGACTGGGACTGCGGGTCTGGTGGGGAGCAGCAGACGTCCCCTTCAC-3'
Protein context (NP_001230208.1, residues 565-576): DKKALIRHFH[Pro575His]S